The following is an entry in ClinVar:

NM_001042492.3(NF1):c.6191C>T (p.Ser2064Phe)

Gene: NF1 (neurofibromin 1; plus strand). Cytogenetic location: 17q11.2.
Variant type: single nucleotide variant.
Coding change: c.6191C>T on transcript NM_001042492.3 (MANE Select); coding-DNA position 6191, C replaced by T.
Protein change: p.Ser2064Phe; replaces serine 2064 with phenylalanine.
Molecular consequence: missense variant.
Genome position (GRCh38, 1-based): chr17:31,336,678, C>T. VCF-style: chr17-31336678-C-T. GRCh37 (hg19) VCF-style: chr17-29663696-C-T.
Other names: c.6128C>T, p.Ser2043Phe (NM_000267.4); short protein forms S2064F, S2043F.
Identifiers: ClinVar variation 856068 (VCV000856068.7), dbSNP rs2069682819, ClinGen allele CA399011832.

ClinVar aggregate classification (germline): Uncertain significance. Review status: criteria provided, multiple submitters, no conflicts (2 of 4 stars). 2 submissions from 2 submitters: Uncertain significance (2). Last evaluated 2024-08-22.

Conditions:
Neurofibromatosis, type 1 (NF1). Also called: Neurofibromatosis, type I; VON RECKLINGHAUSEN DISEASE; Peripheral type neurofibromatosis; NEUROFIBROMATOSIS, TYPE I, SOMATIC. Identifiers: Orphanet 636, MedGen C0027831, MONDO:0018975, OMIM 162200. Disease mechanism: loss of function.
Hereditary cancer-predisposing syndrome. Also called: Hereditary neoplastic syndrome; Tumor predisposition; Neoplastic Syndromes, Hereditary; Hereditary Cancer Syndrome. Identifiers: Orphanet 140162, MedGen C0027672, MeSH D009386, MONDO:0015356.
Cardiovascular phenotype. Identifiers: MedGen CN230736.

Submissions (2):

Ambry Genetics
Classification: Uncertain significance for Cardiovascular phenotype; Hereditary cancer-predisposing syndrome. Last evaluated: 2024-08-22. Review status: criteria provided, single submitter. Criteria: Ambry Variant Classification Scheme 2023. Collection method: clinical testing. Allele origin: germline.
Comment: The p.S2043F variant (also known as c.6128C>T), located in coding exon 41 of the NF1 gene, results from a C to T substitution at nucleotide position 6128. The serine at codon 2043 is replaced by phenylalanine, an amino acid with highly dissimilar properties. This amino acid position is conserved. In addition, the in silico prediction for this alteration is inconclusive. Based on the available evidence, the clinical significance of this variant remains unclear.

Labcorp Genetics (formerly Invitae), Labcorp
Classification: Uncertain significance for Neurofibromatosis, type 1. Last evaluated: 2019-04-07. Review status: criteria provided, single submitter. Criteria: Invitae Variant Classification Sherloc (09022015). Collection method: clinical testing. Allele origin: germline.
Comment: This variant has not been reported in the literature in individuals with NF1-related conditions. This sequence change replaces serine with phenylalanine at codon 2043 of the NF1 protein (p.Ser2043Phe). The serine residue is moderately conserved and there is a large physicochemical difference between serine and phenylalanine. This variant is not present in population databases (ExAC no frequency). Algorithms developed to predict the effect of missense changes on protein structure and function are either unavailable or do not agree on the potential impact of this missense change (SIFT: "Tolerated"; PolyPhen-2: "Probably Damaging"; Align-GVGD: "Class C15"). In summary, the available evidence is currently insufficient to determine the role of this variant in disease. Therefore, it has been classified as a Variant of Uncertain Significance.